The following is an entry in ClinVar:

ClinVar aggregate classification (germline): Likely benign. Review status: criteria provided, multiple submitters, no conflicts (2 of 4 stars). 3 submissions from 3 submitters: Likely benign (3). Last evaluated 2026-07-01.

Allele frequency attached by ClinVar (database versions not stated): gnomAD exomes 0.00002; ExAC 0.00004; gnomAD 0.00005; TOPMed 0.00007; 1000 Genomes Project 0.00060; 1000 Genomes Project 30x 0.00094.
gnomAD v4.1: 39 of 1,614,186 alleles (0.0024%); highest among the groups gnomAD compares: Admixed American, 0.052%; no homozygotes.

Submissions (3):

CeGaT Center for Human Genetics Tuebingen
Classification: Likely benign. Last evaluated: 2026-07-01. Review status: criteria provided, single submitter. Criteria: CeGaT Center For Human Genetics Tuebingen Variant Classification Criteria Version 2. Collection method: clinical testing. Allele origin: germline. Affected: yes. Observed: 1 variant allele.
Comment: PRPF8: BP4, BP7

Labcorp Genetics (formerly Invitae), Labcorp
Classification: Likely benign. Last evaluated: 2024-10-23. Review status: criteria provided, single submitter. Criteria: Invitae Variant Classification Sherloc (09022015). Collection method: clinical testing. Allele origin: germline.

Blueprint Genetics
Classification: Likely benign. Last evaluated: 2024-08-06. Review status: criteria provided, single submitter. Criteria: ACMG Guidelines, 2015. Collection method: clinical testing. Allele origin: germline.

NM_006445.4(PRPF8):c.2280G>A (p.Arg760=)

Gene: PRPF8 (pre-mRNA processing factor 8; minus strand). Cytogenetic location: 17p13.3.
Variant type: single nucleotide variant.
Coding change: c.2280G>A on transcript NM_006445.4 (MANE Select); coding-DNA position 2280, G replaced by A.
Protein change: p.Arg760=; no amino-acid change (arginine 760 retained).
Molecular consequence: synonymous variant.
Genome position (GRCh38, 1-based): chr17:1,676,613, C>T on the plus strand (G>A on the coding strand, the complement: PRPF8 is on the minus strand). VCF-style: chr17-1676613-C-T. GRCh37 (hg19) VCF-style: chr17-1579907-C-T.
Identifiers: ClinVar variation 1984892 (VCV001984892.6), dbSNP rs192524161, ClinGen allele CA8272149.